The following is an entry in ClinVar:

NM_017777.4(MKS1):c.1427T>C (p.Phe476Ser)

Gene: MKS1 (MKS transition zone complex subunit 1; minus strand). Cytogenetic location: 17q22.
Variant type: single nucleotide variant.
Coding change: c.1427T>C on transcript NM_017777.4 (MANE Select); coding-DNA position 1427, T replaced by C.
Protein change: p.Phe476Ser; replaces phenylalanine 476 with serine.
Molecular consequence: missense variant. On other transcripts: intron variant (2).
Genome position (GRCh38, 1-based): chr17:58,206,528, A>G on the plus strand (T>C on the coding strand, the complement: MKS1 is on the minus strand). VCF-style: chr17-58206528-A-G. GRCh37 (hg19) VCF-style: chr17-56283889-A-G.
Other names: c.818T>C, p.Phe273Ser (NM_001321268.2); c.1274-148T>C (NM_001330397.2); c.1408-148T>C (NM_001321269.2); short protein forms F273S, F476S.
Identifiers: ClinVar variation 3755040 (VCV003755040.2).
Genomic context (GRCh38, chr17:58,206,528, plus strand): 5'-GACTGCTGCAGACAGTGCAAGCGGAAGGTGACAGTGCCTGTGGTCTCTGTGCGGAGTCCA[A>G]AGCGGCTCAGGCGTTCCCCCTGTGGCATGCCATTGGGACAGCCTCAGGTTTCTGCTCTCT-3'
Protein context (NP_060247.2, residues 466-486): GSFKGERLSR[Phe476Ser]GLRTETTGTV

ClinVar aggregate classification (germline): Uncertain significance (1 of 4 stars; one submission).

Conditions:
Joubert syndrome. Also called: CEREBELLOPARENCHYMAL DISORDER IV; JOUBERT-BOLTSHAUSER SYNDROME; Familial aplasia of the vermis. Identifiers: Orphanet 475, MedGen C5979921, MONDO:0018772.
Meckel-Gruber syndrome. Also called: DYSENCEPHALIA SPLANCHNOCYSTICA; GRUBER SYNDROME; Dysencephalia splachnocystica. Identifiers: Orphanet 564, MedGen C0265215, MONDO:0018921.

Submission:

Labcorp Genetics (formerly Invitae), Labcorp
Classification: Uncertain significance for Joubert syndrome; Meckel-Gruber syndrome. Last evaluated: 2024-12-16. Review status: criteria provided, single submitter. Criteria: Invitae Variant Classification Sherloc (09022015). Collection method: clinical testing. Allele origin: germline.
Comment: This sequence change replaces phenylalanine, which is neutral and non-polar, with serine, which is neutral and polar, at codon 476 of the MKS1 protein (p.Phe476Ser). This variant is not present in population databases (gnomAD no frequency). This variant has not been reported in the literature in individuals affected with MKS1-related conditions. Invitae Evidence Modeling of protein sequence and biophysical properties (such as structural, functional, and spatial information, amino acid conservation, physicochemical variation, residue mobility, and thermodynamic stability) has been performed for this missense variant. However, the output from this modeling did not meet the statistical confidence thresholds required to predict the impact of this variant on MKS1 protein function. In summary, the available evidence is currently insufficient to determine the role of this variant in disease. Therefore, it has been classified as a Variant of Uncertain Significance.